The following is an entry in ClinVar:

ClinVar aggregate classification (germline): Uncertain significance. Review status: criteria provided, multiple submitters, no conflicts (2 of 4 stars). 2 submissions from 2 submitters: Uncertain significance (2). Last evaluated 2025-10-02.

Conditions:
Hereditary cancer-predisposing syndrome. Also called: Neoplastic Syndromes, Hereditary; Tumor predisposition; Hereditary Cancer Syndrome; Hereditary neoplastic syndrome. Identifiers: Orphanet 140162, MedGen C0027672, MeSH D009386, MONDO:0015356.
Familial cancer of breast. Also called: BREAST CANCER, FAMILIAL; Hereditary breast cancer; hereditary breast carcinoma. Identifiers: Orphanet 227535, MedGen C0346153, MONDO:0016419, OMIM 114480. Disease mechanism: loss of function.

Submissions (2):

Labcorp Genetics (formerly Invitae), Labcorp
Classification: Uncertain significance for Familial cancer of breast. Last evaluated: 2025-10-02. Review status: criteria provided, single submitter. Criteria: Invitae Variant Classification Sherloc (09022015). Collection method: clinical testing. Allele origin: germline.
Comment: This sequence change replaces isoleucine, which is neutral and non-polar, with lysine, which is basic and polar, at codon 702 of the PALB2 protein (p.Ile702Lys). This variant is not present in population databases (gnomAD no frequency). This variant has not been reported in the literature in individuals affected with PALB2-related conditions. ClinVar contains an entry for this variant (Variation ID: 1785983). Invitae Evidence Modeling of protein sequence and biophysical properties (such as structural, functional, and spatial information, amino acid conservation, physicochemical variation, residue mobility, and thermodynamic stability) indicates that this missense variant is not expected to disrupt PALB2 protein function with a negative predictive value of 80%. In summary, the available evidence is currently insufficient to determine the role of this variant in disease. Therefore, it has been classified as a Variant of Uncertain Significance.

Ambry Genetics
Classification: Uncertain significance for Hereditary cancer-predisposing syndrome. Last evaluated: 2024-12-14. Review status: criteria provided, single submitter. Criteria: Ambry Variant Classification Scheme 2023. Collection method: clinical testing. Allele origin: germline.
Comment: The p.I702K variant (also known as c.2105T>A), located in coding exon 5 of the PALB2 gene, results from a T to A substitution at nucleotide position 2105. The isoleucine at codon 702 is replaced by lysine, an amino acid with dissimilar properties. This amino acid position is poorly conserved in available vertebrate species. In addition, this alteration is predicted to be tolerated by in silico analysis. Since supporting evidence is limited at this time, the clinical significance of this alteration remains unclear.

NM_024675.4(PALB2):c.2105T>A (p.Ile702Lys)

Gene: PALB2 (partner and localizer of BRCA2; minus strand). Cytogenetic location: 16p12.2.
Variant type: single nucleotide variant.
Coding change: c.2105T>A on transcript NM_024675.4 (MANE Select); coding-DNA position 2105, T replaced by A.
Protein change: p.Ile702Lys; replaces isoleucine 702 with lysine.
Molecular consequence: missense variant.
Genome position (GRCh38, 1-based): chr16:23,630,049, A>T on the plus strand (T>A on the coding strand, the complement: PALB2 is on the minus strand). VCF-style: chr16-23630049-A-T. GRCh37 (hg19) VCF-style: chr16-23641370-A-T.
Other names: c.2045T>A, p.Ile682Lys (NM_001407296.1); c.2105T>A, p.Ile702Lys (NM_001407297.1, NM_001407298.1, NM_001407299.1 and 3 more transcripts); c.1220T>A, p.Ile407Lys (NM_001407304.1, NM_001407305.1, NM_001407306.1 and 5 more transcripts); c.317T>A, p.Ile106Lys (NM_001407312.1, NM_001407313.1); short protein forms I702K, I407K, I106K, I682K.
Identifiers: ClinVar variation 1785983 (VCV001785983.6), dbSNP rs2142381022, ClinGen allele CA395125785.